The following is an entry in ClinVar:

ClinVar aggregate classification (germline): Uncertain significance (1 of 4 stars; one submission).

Conditions:
T-B+ severe combined immunodeficiency due to JAK3 deficiency. Also called: SCID, autosomal recessive, T-negative/B-positive type; SCID, T CELL-NEGATIVE, B CELL-POSITIVE, NK CELL-NEGATIVE. Identifiers: Orphanet 35078, MedGen C1833275, MONDO:0010938, OMIM 600802.

gnomAD v4.1: 13 of 1,566,482 alleles (0.00083%); highest among the groups gnomAD compares: South Asian, 0.012%; no homozygotes.

Submission:

Labcorp Genetics (formerly Invitae), Labcorp
Classification: Uncertain significance for T-B+ severe combined immunodeficiency due to JAK3 deficiency. Last evaluated: 2022-07-03. Review status: criteria provided, single submitter. Criteria: Invitae Variant Classification Sherloc (09022015). Collection method: clinical testing. Allele origin: germline.
Comment: This sequence change replaces valine, which is neutral and non-polar, with methionine, which is neutral and non-polar, at codon 585 of the JAK3 protein (p.Val585Met). The frequency data for this variant in the population databases is considered unreliable, as metrics indicate poor data quality at this position in the gnomAD database. This variant has not been reported in the literature in individuals affected with JAK3-related conditions. ClinVar contains an entry for this variant (Variation ID: 1037955). Advanced modeling of protein sequence and biophysical properties (such as structural, functional, and spatial information, amino acid conservation, physicochemical variation, residue mobility, and thermodynamic stability) performed at Invitae indicates that this missense variant is not expected to disrupt JAK3 protein function. In summary, the available evidence is currently insufficient to determine the role of this variant in disease. Therefore, it has been classified as a Variant of Uncertain Significance.

NM_000215.4(JAK3):c.1753G>A (p.Val585Met)

Gene: JAK3 (Janus kinase 3; minus strand). Cytogenetic location: 19p13.11.
Variant type: single nucleotide variant.
Coding change: c.1753G>A on transcript NM_000215.4 (MANE Select); coding-DNA position 1753, G replaced by A.
Protein change: p.Val585Met; replaces valine 585 with methionine.
Molecular consequence: missense variant.
Genome position (GRCh38, 1-based): chr19:17,837,162, C>T on the plus strand (G>A on the coding strand, the complement: JAK3 is on the minus strand). VCF-style: chr19-17837162-C-T. GRCh37 (hg19) VCF-style: chr19-17947971-C-T.
Other names: short protein forms V585M.
Identifiers: ClinVar variation 1037955 (VCV001037955.6), dbSNP rs199600889, ClinGen allele CA9301799.